The following is an entry in ClinVar:

NM_004336.5(BUB1):c.1075C>A (p.Pro359Thr)

Gene: BUB1 (BUB1 mitotic checkpoint serine/threonine kinase; minus strand). Cytogenetic location: 2q13.
Variant type: single nucleotide variant.
Coding change: c.1075C>A on transcript NM_004336.5 (MANE Select); coding-DNA position 1075, C replaced by A.
Protein change: p.Pro359Thr; replaces proline 359 with threonine.
Molecular consequence: missense variant.
Genome position (GRCh38, 1-based): chr2:110,661,724, G>T on the plus strand (C>A on the coding strand, the complement: BUB1 is on the minus strand). VCF-style: chr2-110661724-G-T. GRCh37 (hg19) VCF-style: chr2-111419301-G-T.
Other names: c.1015C>A, p.Pro339Thr (NM_001278616.2); c.1075C>A, p.Pro359Thr (NM_001278617.2); short protein forms P359T, P339T.
Identifiers: ClinVar variation 3483070 (VCV003483070.1).

ClinVar aggregate classification (germline): Uncertain significance (1 of 4 stars; one submission).

gnomAD v4.1: 1 of 1,614,206 alleles (0.000062%); highest among the groups gnomAD compares: Admixed American, 0.0017%; no homozygotes.

Submission:

Ambry Genetics
Classification: Uncertain significance. Last evaluated: 2024-10-06. Review status: criteria provided, single submitter. Criteria: Ambry Variant Classification Scheme 2023. Collection method: clinical testing. Allele origin: germline.
Comment: The p.P359T variant (also known as c.1075C>A), located in coding exon 10 of the BUB1 gene, results from a C to A substitution at nucleotide position 1075. The proline at codon 359 is replaced by threonine, an amino acid with highly similar properties. This amino acid position is conserved. In addition, this alteration is predicted to be tolerated by in silico analysis. Based on the available evidence, the clinical significance of this variant remains unclear.